The following is an entry in ClinVar:

NM_024649.5(BBS1):c.1570_1572del (p.Asn524del)

Genes: ZDHHC24 (zDHHC palmitoyltransferase 24; minus strand), BBS1 (Bardet-Biedl syndrome 1; plus strand). Cytogenetic location: 11q13.2.
Variant type: Deletion.
Coding change: c.1570_1572del on transcript NM_024649.5 (MANE Select); coding-DNA positions 1570 to 1572, 3 bases deleted (AAC; older notation c.1570_1572delAAC).
Protein change: p.Asn524del; deletes asparagine 524.
Molecular consequence: inframe deletion. On other transcripts: intron variant (1).
Genome position (GRCh38, 1-based): chr11:66,530,990-66,530,992, AAC deleted; deleting any 3 consecutive bases within chr11:66,530,988-66,530,992 gives the same sequence; the c. name uses the placement nearest the transcript's 3' end. VCF-style (leftmost placement, unchanged base first): chr11-66530987-TACA-T. GRCh37 (hg19) VCF-style: chr11-66298458-TACA-T.
Other names: c.560-1502_560-1500del (NM_001348571.2); short protein forms N524del.
Identifiers: ClinVar variation 216741 (VCV000216741.13), dbSNP rs863224782, ClinGen allele CA338175.

ClinVar aggregate classification (germline): Conflicting classifications of pathogenicity. Review status: criteria provided, conflicting classifications (1 of 4 stars). 6 submissions from 6 submitters: Likely pathogenic (3); Uncertain significance (1). 2 of the submissions do not count toward it. Last evaluated 2025-10-23.

Conditions:
Bardet-Biedl syndrome (BBS). Identifiers: Orphanet 110, MedGen C0752166, MONDO:0015229.
Bardet-Biedl syndrome 1 (BBS1). Identifiers: MedGen C2936862, MONDO:0008854, OMIM 209900. Disease mechanism: loss of function.

Submissions (6):

Myriad Genetics, Inc.
Classification: Likely pathogenic for Bardet-Biedl syndrome 1. Last evaluated: 2025-10-23. Review status: criteria provided, single submitter. Criteria: Myriad Autosomal Dominant, Autosomal Recessive and X-Linked Classification Criteria (2023). Collection method: clinical testing. Allele origin: unknown.
Comment: NM_024649.4(BBS1):c.1570_1572delAAC(N524del) is an in-frame deletion classified as likely pathogenic in the context of Bardet-Biedl syndrome, BBS1-related. N524del has been observed in cases with relevant disease (PMID: 17980398, 21344540, 27659767, 32349990, 32531858, 34940782, 35886001). Relevant functional assessments of this variant are not available in the literature. N524del has been observed in referenced population frequency databases. In summary, NM_024649.4(BBS1):c.1570_1572delAAC(N524del) is an in-frame deletion that has been observed more frequently in cases with the relevant disease than in healthy populations. Please note: this variant was assessed in the context of healthy population screening.

Baylor Genetics
Classification: Likely pathogenic for Bardet-Biedl syndrome 1. Last evaluated: 2023-08-18. Review status: criteria provided, single submitter. Criteria: ACMG Guidelines, 2015. Collection method: clinical testing. Allele origin: unknown.

Women's Health and Genetics/Laboratory Corporation of America, LabCorp
Classification: Likely pathogenic for Bardet-Biedl syndrome. Last evaluated: 2023-06-26. Review status: criteria provided, single submitter. Criteria: LabCorp Variant Classification Summary - May 2015. Collection method: clinical testing. Allele origin: germline.
Comment: Variant summary: BBS1 c.1570_1572delAAC (p.Asn524del) results in an in-frame deletion that is predicted to remove one amino acid from the encoded protein. The variant allele was found at a frequency of 4e-06 in 251490 control chromosomes (gnomAD). The available data on variant occurrences in the general population are insufficient to allow any conclusion about variant significance. c.1570_1572delAAC has been reported in the literature in both compound heterozygous and homozygous individuals affected with features of Bardet-Biedl Syndrome (e.g., Gerth_2008, Deveault_2011, Forsythe_2017, Saeed_2020, Weisschuh_2020, Nasser_2022). These data indicate that the variant is likely to be associated with disease. To our knowledge, no experimental evidence demonstrating an impact on protein function has been reported. The following publications have been ascertained in the context of this evaluation (PMID: 21344540, 27659767, 17980398, 35886001, 32349990, 32531858). One submitter has cited clinical-significance assessments for this variant to ClinVar after 2014 and has classified the variant as uncertain significance. Based on the evidence outlined above, the variant was classified as likely pathogenic.

Blueprint Genetics
Classification: Uncertain significance. Last evaluated: 2021-01-25. Review status: criteria provided, single submitter. Criteria: ACMG Guidelines, 2015. Collection method: clinical testing. Allele origin: germline.

Genomics England Pilot Project, Genomics England
Classification: Pathogenic for Bardet-Biedl syndrome 1. Review status: no assertion criteria provided. Criteria: ACGS Guidelines, 2016. Collection method: clinical testing. Allele origin: germline. Affected: yes. Not counted in ClinVar's aggregate classification.

Labcorp Genetics (formerly Invitae), Labcorp
Classification: Uncertain significance for Bardet-Biedl syndrome. Last evaluated: 2021-09-24. Review status: flagged submission. Criteria: Invitae Variant Classification Sherloc (09022015). Collection method: clinical testing. Allele origin: germline. Not counted in ClinVar's aggregate classification.
Comment: This variant, c.1570_1572del, results in the deletion of 1 amino acid(s) of the BBS1 protein (p.Asn524del), but otherwise preserves the integrity of the reading frame. This variant is not present in population databases (ExAC no frequency). This variant has been observed in individual(s) with clinical features of Bardet-Biedl syndrome (PMID: 21344540, 32349990). ClinVar contains an entry for this variant (Variation ID: 216741). Experimental studies and prediction algorithms are not available or were not evaluated, and the functional significance of this variant is currently unknown. In summary, the available evidence is currently insufficient to determine the role of this variant in disease. Therefore, it has been classified as a Variant of Uncertain Significance.
ClinVar note: Reason: Outlier claim with insufficient supporting evidence

Literature cited by the submitters: PubMed 17980398 (cited by Myriad Genetics, Inc. and Women's Health and Genetics/Laboratory Corporation of America, LabCorp); PubMed 21344540 (cited by 3 submitters); PubMed 27659767 (cited by Myriad Genetics, Inc. and Women's Health and Genetics/Laboratory Corporation of America, LabCorp); PubMed 32349990 (cited by 3 submitters); PubMed 32531858 (cited by Myriad Genetics, Inc. and Women's Health and Genetics/Laboratory Corporation of America, LabCorp); PubMed 34940782 (cited by Myriad Genetics, Inc.); PubMed 35886001 (cited by Myriad Genetics, Inc. and Women's Health and Genetics/Laboratory Corporation of America, LabCorp).